The following is an entry in ClinVar:

NM_001184880.2(PCDH19):c.590A>G (p.Asp197Gly)

Gene: PCDH19 (protocadherin 19; minus strand). Cytogenetic location: Xq22.1.
Variant type: single nucleotide variant.
Coding change: c.590A>G on transcript NM_001184880.2 (MANE Select); coding-DNA position 590, A replaced by G.
Protein change: p.Asp197Gly; replaces aspartic acid 197 with glycine.
Molecular consequence: missense variant.
Genome position (GRCh38, 1-based): chrX:100,408,008, T>C on the plus strand (A>G on the coding strand, the complement: PCDH19 is on the minus strand). VCF-style: chrX-100408008-T-C. GRCh37 (hg19) VCF-style: chrX-99663006-T-C.
Other names: c.590A>G, p.Asp197Gly (NM_001105243.2, NM_020766.3); short protein forms D197G.
Identifiers: ClinVar variation 1512869 (VCV001512869.8), dbSNP rs2147541373, ClinGen allele CA414009158.

ClinVar aggregate classification (germline): Pathogenic (1 of 4 stars; one submission).

Conditions:
Developmental and epileptic encephalopathy, 9 (DEE9). Also called: Early infantile epileptic encephalopathy 9; JUBERG-HELLMAN SYNDROME; EPILEPSY, FEMALE-RESTRICTED, WITH MENTAL RETARDATION; PCDH19-Related X-Linked Female-Limited Epilepsy with Mental Retardation. Identifiers: Orphanet 101039, Orphanet 2076, MedGen C1848137, MONDO:0010246, OMIM 300088. Disease mechanism: loss of function.

Submission:

Labcorp Genetics (formerly Invitae), Labcorp
Classification: Pathogenic for Developmental and epileptic encephalopathy, 9. Last evaluated: 2022-07-27. Review status: criteria provided, single submitter. Criteria: Invitae Variant Classification Sherloc (09022015). Collection method: clinical testing. Allele origin: germline.
Comment: This sequence change replaces aspartic acid, which is acidic and polar, with glycine, which is neutral and non-polar, at codon 197 of the PCDH19 protein (p.Asp197Gly). This variant is not present in population databases (gnomAD no frequency). This missense change has been observed in individual(s) with clinical features PCDH19-related conditions (Invitae). In at least one individual the variant was observed to be de novo. ClinVar contains an entry for this variant (Variation ID: 1512869). Advanced modeling of protein sequence and biophysical properties (such as structural, functional, and spatial information, amino acid conservation, physicochemical variation, residue mobility, and thermodynamic stability) performed at Invitae indicates that this missense variant is expected to disrupt PCDH19 protein function. For these reasons, this variant has been classified as Pathogenic.